The following is an entry in ClinVar:

NM_015164.4(PLEKHM2):c.2836C>G (p.Pro946Ala)

Gene: PLEKHM2 (pleckstrin homology and RUN domain containing M2; plus strand). Cytogenetic location: 1p36.21.
Variant type: single nucleotide variant.
Coding change: c.2836C>G on transcript NM_015164.4 (MANE Select); coding-DNA position 2836, C replaced by G.
Protein change: p.Pro946Ala; replaces proline 946 with alanine.
Molecular consequence: missense variant.
Genome position (GRCh38, 1-based): chr1:15,732,642, C>G. VCF-style: chr1-15732642-C-G. GRCh37 (hg19) VCF-style: chr1-16059137-C-G.
Other names: c.2776C>G, p.Pro926Ala (NM_001410755.1); short protein forms P946A, P926A.
Identifiers: ClinVar variation 3661465 (VCV003661465.2).

ClinVar aggregate classification (germline): Uncertain significance (1 of 4 stars; one submission).

Submission:

Labcorp Genetics (formerly Invitae), Labcorp
Classification: Uncertain significance. Last evaluated: 2024-08-05. Review status: criteria provided, single submitter. Criteria: Invitae Variant Classification Sherloc (09022015). Collection method: clinical testing. Allele origin: germline.
Comment: This sequence change replaces proline, which is neutral and non-polar, with alanine, which is neutral and non-polar, at codon 946 of the PLEKHM2 protein (p.Pro946Ala). This variant is not present in population databases (gnomAD no frequency). This variant has not been reported in the literature in individuals affected with PLEKHM2-related conditions. An algorithm developed to predict the effect of missense changes on protein structure and function outputs the following: PolyPhen-2: "Benign". The alanine amino acid residue is found in multiple mammalian species, which suggests that this missense change does not adversely affect protein function. In summary, the available evidence is currently insufficient to determine the role of this variant in disease. Therefore, it has been classified as a Variant of Uncertain Significance.